The following is an entry in ClinVar:

ClinVar aggregate classification (germline): Uncertain significance (1 of 4 stars; one submission).

gnomAD v4.1: 1 of 1,614,050 alleles (0.000062%); highest among the groups gnomAD compares: Non-Finnish European, 0.000085%; no homozygotes.

Submission:

Ambry Genetics
Classification: Uncertain significance. Last evaluated: 2025-03-31. Review status: criteria provided, single submitter. Criteria: Ambry Variant Classification Scheme 2023. Collection method: clinical testing. Allele origin: germline.
Comment: The p.Q642R variant (also known as c.1925A>G), located in coding exon 1 of the TET2 gene, results from an A to G substitution at nucleotide position 1925. The glutamine at codon 642 is replaced by arginine, an amino acid with highly similar properties. This amino acid position is conserved. In addition, this alteration is predicted to be tolerated by in silico analysis. Based on the available evidence, the clinical significance of this variant remains unclear.

NM_001127208.3(TET2):c.1925A>G (p.Gln642Arg)

Genes: TET2 (tet methylcytosine dioxygenase 2; plus strand), TET2-AS1 (TET2 antisense RNA 1; minus strand). Cytogenetic location: 4q24.
Variant type: single nucleotide variant.
Coding change: c.1925A>G on transcript NM_001127208.3 (MANE Select); coding-DNA position 1925, A replaced by G.
Protein change: p.Gln642Arg; replaces glutamine 642 with arginine.
Molecular consequence: missense variant.
Genome position (GRCh38, 1-based): chr4:105,235,867, A>G. VCF-style: chr4-105235867-A-G. GRCh37 (hg19) VCF-style: chr4-106157024-A-G.
Other names: c.1925A>G, p.Gln642Arg (NM_017628.4); short protein forms Q642R.
Identifiers: ClinVar variation 3967513 (VCV003967513.1).